The following is an entry in ClinVar:

ClinVar aggregate classification (germline): Pathogenic (1 of 4 stars; one submission).

Submission:

ISCA site 4
Classification: Pathogenic. Last evaluated: 2011-08-12. Review status: criteria provided, single submitter. Criteria: Kaminsky et al. (Genet Med. 2011). Collection method: clinical testing. Allele origin: maternal. Affected: yes. Observed: 1 variant allele.
Comment: Copy number variation identified through the course of routine clinical cytogenomic testing in postnatal populations. Clinical assertions have been curated as described in Kaminsky et al. 2011.

GRCh38/hg38 22q11.21(chr22:18389245-21207225)x1

Genes: AIFM3 (AIF family member 3; plus strand), ARVCF (ARVCF delta catenin family member; minus strand), C22orf39 (chromosome 22 open reading frame 39; minus strand), CCDC188 (coiled-coil domain containing 188; minus strand), CDC45 (cell division cycle 45; plus strand) and 187 more. Cytogenetic location: 22q11.21.
Variant type: copy number loss.
Change: copy number 1 (one copy instead of two) of chr22:18,389,245-21,207,225 (2.82 Mb, GRCh38 coordinates, 1-based), cytogenetic band 22q11.21.
Identifiers: ClinVar variation 57229 (VCV000057229.1).